The following is an entry in ClinVar:

ClinVar aggregate classification (germline): Likely pathogenic (1 of 4 stars; one submission).

Conditions:
PIK3CA related overgrowth syndrome. Also called: PIK3CA related overgrowth spectrum; PIK3CA-Related Segmental Overgrowth. Identifiers: Orphanet 530313, MedGen C4728213, MONDO:1040002.

Submission:

Clinical Genomics Laboratory, Washington University in St. Louis
Classification: Likely pathogenic for PIK3CA-related overgrowth syndrome. Last evaluated: 2024-06-01. Review status: criteria provided, single submitter. Criteria: Leon-Quintero et al. (Clin Genet. 2025). Collection method: clinical testing. Allele origin: somatic. Affected: yes.
Comment: A PIK3CA c.1637A>T (p.Gln546Leu) variant was identified at an allelic fraction consistent with somatic origin. This variant has been reported as a somatic variant in 9 cases in the cancer database COSMIC (Genomic Mutation ID: COSV55877455). It is absent from the general population (gnomAD v4.1.0), indicating it is not a common variant. This variant resides within the helical domain of the p110alpha catalytic subunit of PIK3CA and constitutes a mutational hotspot (Madsen R et al., PMID: 30197175; Keppler-Noreuil KM et al., PMID: 25557259; Gymnopoulos M et al., PMID: 17376864). A PIK3CA c.1637A>T (p.Gln546Leu) variant has been annotated as activating and shown to increased transformation ability in two different cell lines (Ng PKS et al., PMID: 29533785). Additionally, the PIK3CA gene is defined by the ClinGen Brain Malformations expert panel as a gene that has a low rate of benign missense variation and where pathogenic missense variants are a common mechanism of disease (Lai A et al., PMID: 35997716). Multiple variants in the same codon, p.Gln546Arg, p.Gln546Glu, p.Gln546His, p.Gln546Lys, and p.Gln546Pro, have been reported and are considered pathogenic (ClinVar Variation IDs: 45466, 13654, 376491, 13657, 375898; Mirzaa G et al., PMID: 27631024). A large number of PI3K/AKT pathway inhibitors are currently under clinical study in both PROS disorders and cancer (Jin N et al., PMID: 34779417; Venot Q et al., PMID: 29899452; Parker VER et al., PMID: 30270358)Based on available information and an internally developed protocol informed by the ACMG/AMP guidelines for variant interpretation and gene-specific practices from the ClinGen Criteria Specification Registry (Leon-Quintero FZ et al., PMID: 39434542), the PIK3CA c.1637A>T (p.Glu546Leu) variant is classified as likely pathogenic.

NM_006218.4(PIK3CA):c.1637A>T (p.Gln546Leu)

Gene: PIK3CA (phosphatidylinositol-4,5-bisphosphate 3-kinase catalytic subunit alpha; plus strand). Cytogenetic location: 3q26.32.
Variant type: single nucleotide variant.
Coding change: c.1637A>T on transcript NM_006218.4 (MANE Select); coding-DNA position 1637, A replaced by T.
Protein change: p.Gln546Leu; replaces glutamine 546 with leucine.
Molecular consequence: missense variant.
Genome position (GRCh38, 1-based): chr3:179,218,307, A>T. VCF-style: chr3-179218307-A-T. GRCh37 (hg19) VCF-style: chr3-178936095-A-T.
Other names: short protein forms Q546L.
Identifiers: ClinVar variation 3774497 (VCV003774497.1), dbSNP rs397517201.